The following is an entry in ClinVar:

NM_002474.3(MYH11):c.4510C>T (p.Arg1504Trp)

Genes: MYH11 (myosin heavy chain 11; minus strand), NDE1 (nudE neurodevelopment protein 1; plus strand). Cytogenetic location: 16p13.11.
Variant type: single nucleotide variant.
Coding change: c.4510C>T on transcript NM_002474.3 (MANE Select); coding-DNA position 4510, C replaced by T.
Protein change: p.Arg1504Trp; replaces arginine 1504 with tryptophan.
Molecular consequence: missense variant. On other transcripts: intron variant (2).
Genome position (GRCh38, 1-based): chr16:15,721,490, G>A on the plus strand (C>T on the coding strand, the complement: MYH11 is on the minus strand). VCF-style: chr16-15721490-G-A. GRCh37 (hg19) VCF-style: chr16-15815347-G-A.
Other names: c.4531C>T (NM_001040114.1); c.4531C>T, p.Arg1511Trp (NM_001040113.2, NM_001040114.2); c.4510C>T, p.Arg1504Trp (NM_022844.3); c.948-2701G>A (NM_001143979.2, NM_017668.3); short protein forms R1511W, R1504W.
Identifiers: ClinVar variation 919441 (VCV000919441.26), dbSNP rs144823441, ClinGen allele CA7921654.

ClinVar aggregate classification (germline): Uncertain significance. Review status: criteria provided, multiple submitters, no conflicts (2 of 4 stars). 6 submissions from 6 submitters: Uncertain significance (6). Last evaluated 2025-01-01.

Conditions:
Familial thoracic aortic aneurysm and aortic dissection (TAAD). Also called: Thoracic aortic aneurysms and dissections. Identifiers: Orphanet 91387, MedGen C4707243, MONDO:0019625.
Megacystis-microcolon-intestinal hypoperistalsis syndrome 2. Identifiers: MedGen C5543476, MONDO:0025708, OMIM 619351.
Aortic aneurysm, familial thoracic 4 (AAT4). Also called: AORTIC ANEURYSM/AORTIC DISSECTION AND PATENT DUCTUS ARTERIOSUS. Identifiers: MedGen C1851504, MONDO:0007568, OMIM 132900.

Allele frequency attached by ClinVar (database versions not stated): gnomAD 0.00001; gnomAD exomes 0.00001 and 0.00003; TOPMed 0.00002; ExAC 0.00006; ESP Exome Variant Server 0.00008.
gnomAD v4.1: 23 of 1,614,070 alleles (0.0014%); highest among the groups gnomAD compares: Middle Eastern, 0.033%; no homozygotes.

Submissions (6):

CeGaT Center for Human Genetics Tuebingen
Classification: Uncertain significance. Last evaluated: 2025-01-01. Review status: criteria provided, single submitter. Criteria: CeGaT Center For Human Genetics Tuebingen Variant Classification Criteria Version 2. Collection method: clinical testing. Allele origin: germline. Affected: yes. Observed: 1 variant allele.
Comment: MYH11: PM2, PP3

Ambry Genetics
Classification: Uncertain significance for Familial thoracic aortic aneurysm and aortic dissection. Last evaluated: 2024-12-09. Review status: criteria provided, single submitter. Criteria: Ambry Variant Classification Scheme 2023. Collection method: clinical testing. Allele origin: germline.
Comment: The p.R1504W variant (also known as c.4510C>T), located in coding exon 31 of the MYH11 gene, results from a C to T substitution at nucleotide position 4510. The arginine at codon 1504 is replaced by tryptophan, an amino acid with dissimilar properties. This amino acid position is conserved. In addition, the in silico prediction for this alteration is inconclusive. Based on the available evidence, the clinical significance of this variant remains unclear.

Genomic Medicine Center of Excellence, King Faisal Specialist Hospital and Research Centre
Classification: Uncertain significance for Megacystis-microcolon-intestinal hypoperistalsis syndrome 2. Last evaluated: 2024-09-22. Review status: criteria provided, single submitter. Criteria: ACMG Guidelines, 2015. Collection method: clinical testing. Allele origin: germline.

Blueprint Genetics
Classification: Uncertain significance. Last evaluated: 2023-01-31. Review status: criteria provided, single submitter. Criteria: ACMG Guidelines, 2015. Collection method: clinical testing. Allele origin: germline.

Color Diagnostics, LLC DBA Color Health
Classification: Uncertain significance for Familial thoracic aortic aneurysm and aortic dissection. Last evaluated: 2022-11-28. Review status: criteria provided, single submitter. Criteria: ACMG Guidelines, 2015. Collection method: clinical testing. Allele origin: germline.
Comment: This missense variant replaces arginine with tryptophan at codon 1511 of the MYH11 protein. Computational prediction suggests that this variant may have deleterious impact on protein structure and function (internally defined REVEL score threshold >= 0.7, PMID: 27666373). To our knowledge, functional studies have not been reported for this variant. This variant has not been reported in individuals affected with MYH11-related disorders in the literature. This variant has been identified in 9/282886 chromosomes in the general population by the Genome Aggregation Database (gnomAD). The available evidence is insufficient to determine the role of this variant in disease conclusively. Therefore, this variant is classified as a Variant of Uncertain Significance.

Labcorp Genetics (formerly Invitae), Labcorp
Classification: Uncertain significance for Aortic aneurysm, familial thoracic 4. Last evaluated: 2022-03-07. Review status: criteria provided, single submitter. Criteria: Invitae Variant Classification Sherloc (09022015). Collection method: clinical testing. Allele origin: germline.
Comment: In summary, the available evidence is currently insufficient to determine the role of this variant in disease. Therefore, it has been classified as a Variant of Uncertain Significance. Algorithms developed to predict the effect of missense changes on protein structure and function are either unavailable or do not agree on the potential impact of this missense change (SIFT: "Deleterious"; PolyPhen-2: "Probably Damaging"; Align-GVGD: "Class C0"). ClinVar contains an entry for this variant (Variation ID: 919441). This variant has not been reported in the literature in individuals affected with MYH11-related conditions. This variant is present in population databases (rs144823441, gnomAD 0.008%). This sequence change replaces arginine, which is basic and polar, with tryptophan, which is neutral and slightly polar, at codon 1511 of the MYH11 protein (p.Arg1511Trp).